The following is an entry in ClinVar:

ClinVar aggregate classification (germline): Conflicting classifications of pathogenicity. Review status: criteria provided, conflicting classifications (1 of 4 stars). 4 submissions from 3 submitters: Uncertain significance (1); Benign (1); Likely benign (2). Last evaluated 2025-11-10.

Conditions:
Spondyloepimetaphyseal dysplasia, Missouri type. Identifiers: Orphanet 1040, Orphanet 93356, MedGen C1865832, MONDO:0011198, OMIM 602111.
Metaphyseal anadysplasia. Also called: Early-onset regressive form of metaphyseal dysplasia. Identifiers: Orphanet 1040, MedGen C0432226, MONDO:0015177.

Allele frequency attached by ClinVar (database versions not stated): gnomAD exomes 0.00003 and 0.00008; ExAC 0.00013; ESP Exome Variant Server 0.00038; TOPMed 0.00043; gnomAD 0.00048 and 0.00053.
gnomAD v4.1: 115 of 1,466,238 alleles (0.0078%); highest among the groups gnomAD compares: African/African-American, 0.15%; no homozygotes.

Submissions (4):

Labcorp Genetics (formerly Invitae), Labcorp
Classification: Likely benign. Last evaluated: 2025-11-10. Review status: criteria provided, single submitter. Criteria: Invitae Variant Classification Sherloc (09022015). Collection method: clinical testing. Allele origin: germline.

Blueprint Genetics
Classification: Likely benign. Last evaluated: 2023-04-18. Review status: criteria provided, single submitter. Criteria: ACMG Guidelines, 2015. Collection method: clinical testing. Allele origin: germline.

Illumina Laboratory Services, Illumina
Classification: Benign for Metaphyseal anadysplasia. Last evaluated: 2018-01-12. Review status: criteria provided, single submitter. Criteria: ICSL Variant Classification Criteria 13 December 2019. Collection method: clinical testing. Allele origin: germline.
Comment: This variant was observed in the ICSL laboratory as part of a predisposition screen in an ostensibly healthy population. It had not been previously curated by ICSL or reported in the Human Gene Mutation Database (HGMD: prior to June 1st, 2018), and was therefore a candidate for classification through an automated scoring system. Utilizing variant allele frequency, disease prevalence and penetrance estimates, and inheritance mode, an automated score was calculated to assess if this variant is too frequent to cause the disease. Based on the score and internal cut-off values, a variant classified as benign is not then subjected to further curation. The score for this variant resulted in a classification of benign for this disease.

Illumina Laboratory Services, Illumina
Classification: Uncertain significance for Spondyloepimetaphyseal dysplasia, Missouri type. Last evaluated: 2018-01-12. Review status: criteria provided, single submitter. Criteria: ICSL Variant Classification Criteria 13 December 2019. Collection method: clinical testing. Allele origin: germline.

NM_002427.4(MMP13):c.1315+15T>C

Gene: MMP13 (matrix metallopeptidase 13; minus strand). Cytogenetic location: 11q22.2.
Variant type: single nucleotide variant.
Coding change: c.1315+15T>C on transcript NM_002427.4 (MANE Select); 15 bases into the intron after coding-DNA position 1315, T replaced by C.
Molecular consequence: intron variant.
Genome position (GRCh38, 1-based): chr11:102,945,631, A>G on the plus strand (T>C on the coding strand, the complement: MMP13 is on the minus strand). VCF-style: chr11-102945631-A-G. GRCh37 (hg19) VCF-style: chr11-102816360-A-G.
Identifiers: ClinVar variation 301975 (VCV000301975.16), dbSNP rs373735518, ClinGen allele CA6251712.